The following is an entry in ClinVar:

ClinVar aggregate classification (germline): Likely pathogenic (1 of 4 stars; one submission).

Conditions:
Developmental and epileptic encephalopathy, 11 (DEE11). Also called: Early infantile epileptic encephalopathy 11. Identifiers: Orphanet 1934, MedGen C3150987, MONDO:0013388, OMIM 613721.

Submission:

3billion
Classification: Likely pathogenic for Developmental and epileptic encephalopathy, 11. Last evaluated: 2025-09-01. Review status: criteria provided, single submitter. Criteria: ACMG Guidelines, 2015. Collection method: clinical testing. Allele origin: germline. Affected: yes.
Comment: The variant is not observed in the gnomAD v4.1.0 dataset. Predicted Consequence/Location: Missense variant In silico tool predictions suggest damaging effect of the variant on gene or gene product [REVEL: 0.85 (>=0.6, sensitivity 0.68 and specificity 0.92); 3Cnet: 1.00 (> 0.75, sensitivity 0.96 and precision 0.92)]. The different nucleotide change resulting in the same amino acid change has been previously reported to be associated with SCN2A-related disorder(ClinVar ID: VCV000978919 /PMID: 34489640).The variant has been previously reported as de novo in a similarly affected individual (PMID: 34489640). Therefore, this variant is classified as Likely pathogenic according to the recommendation of ACMG/AMP guideline.

Literature cited by the submitters: PubMed 34489640.

NM_001040142.2(SCN2A):c.4959G>T (p.Leu1653Phe)

Gene: SCN2A (sodium voltage-gated channel alpha subunit 2; plus strand). Cytogenetic location: 2q24.3.
Variant type: single nucleotide variant.
Coding change: c.4959G>T on transcript NM_001040142.2 (MANE Select); coding-DNA position 4959, G replaced by T.
Protein change: p.Leu1653Phe; replaces leucine 1653 with phenylalanine.
Molecular consequence: missense variant.
Genome position (GRCh38, 1-based): chr2:165,388,765, G>T. VCF-style: chr2-165388765-G-T. GRCh37 (hg19) VCF-style: chr2-166245275-G-T.
Other names: c.4959G>T, p.Leu1653Phe (NM_001040143.2, NM_001371246.1, NM_001371247.1 and 1 more transcripts); short protein forms L1653F.
Identifiers: ClinVar variation 4854127 (VCV004854127.1).
Genomic context (GRCh38, chr2:165,388,765, plus strand): 5'-TGGCCGAATCCTACGTCTGATCAAAGGAGCAAAGGGGATCCGCACGCTGCTCTTTGCTTT[G>T]ATGATGTCCCTTCCTGCGTTGTTTAACATCGGCCTCCTTCTTTTCCTGGTCATGTTCATC-3'
Protein context (NP_001035232.1, residues 1643-1663): AKGIRTLLFA[Leu1653Phe]MMSLPALFNI